The following is an entry in ClinVar:

NM_000059.4(BRCA2):c.8332-2916A>G

Gene: BRCA2 (BRCA2 DNA repair associated; plus strand). Cytogenetic location: 13q13.1.
Variant type: single nucleotide variant.
Coding change: c.8332-2916A>G on transcript NM_000059.4 (MANE Select); 2916 bases into the intron before coding-DNA position 8332, A replaced by G.
Molecular consequence: intron variant.
Genome position (GRCh38, 1-based): chr13:32,367,486, A>G. VCF-style: chr13-32367486-A-G. GRCh37 (hg19) VCF-style: chr13-32941623-A-G.
Other names: IVS 18-2916A>G.
Identifiers: ClinVar variation 209797 (VCV000209797.1), dbSNP rs114806352, ClinGen allele CA276765.

ClinVar aggregate classification (germline): Benign (3 of 4 stars; one submission).

Conditions:
Breast-ovarian cancer, familial, susceptibility to, 2 (BROVCA2). Also called: BRCA2 Hereditary Breast and Ovarian Cancer. Identifiers: Orphanet 145, MedGen C2675520, MONDO:0012933, OMIM 612555. Disease mechanism: loss of function.

Allele frequency attached by ClinVar (database versions not stated): gnomAD 0.00733 and 0.00783; TOPMed 0.00807; 1000 Genomes Project 0.00899; 1000 Genomes Project 30x 0.00984.
gnomAD v4.1: 1,095 of 152,012 alleles (0.72%); highest among the groups gnomAD compares: African/African-American, 2.5%; 12 homozygotes.

Submission:

Evidence-based Network for the Interpretation of Germline Mutant Alleles (ENIGMA)
Classification: Benign for Breast-ovarian cancer, familial 2. Last evaluated: 2015-01-12. Review status: reviewed by expert panel. Criteria: ENIGMA BRCA1/2 Classification Criteria (2015). Collection method: curation. Allele origin: germline.
Comment: Class 1 not pathogenic based on frequency >1% in an outbred sampleset. Frequency 0.03252 (African), derived from 1000 genomes (2012-04-30).